The following is an entry in ClinVar:

NM_206933.4(USH2A):c.5858-12A>G

Gene: USH2A (usherin; minus strand). Cytogenetic location: 1q41.
Variant type: single nucleotide variant.
Coding change: c.5858-12A>G on transcript NM_206933.4 (MANE Select); 12 bases into the intron before coding-DNA position 5858, A replaced by G.
Molecular consequence: intron variant.
Genome position (GRCh38, 1-based): chr1:216,070,304, T>C on the plus strand (A>G on the coding strand, the complement: USH2A is on the minus strand). VCF-style: chr1-216070304-T-C. GRCh37 (hg19) VCF-style: chr1-216243646-T-C.
Identifiers: ClinVar variation 166493 (VCV000166493.14), dbSNP rs727503727, ClinGen allele CA179556.
Genomic context (GRCh38, chr1:216,070,304, plus strand): 5'-TATCCATTTAAGCTGCGGACTCTTGAGGGAGTTGGCACACTTTGTGGAGCTGTGAAGGAA[T>C]AAAAGAGAAAATAGGGAAAATGGCAGTTCTGAGAAGACTATTGCTCCTATTCTTCACTTT-3'

ClinVar aggregate classification (germline): Likely benign. Review status: criteria provided, multiple submitters, no conflicts (2 of 4 stars). 4 submissions from 4 submitters: Likely benign (3). 1 of the submissions does not count toward it. Last evaluated 2025-12-10.

Conditions:
Retinitis pigmentosa 39 (RP39). Identifiers: Orphanet 791, MedGen C3151138, MONDO:0013436, OMIM 613809.
Usher syndrome type 2A. Also called: USHER SYNDROME, TYPE IIA; RETINAL DISEASE IN USHER SYNDROME TYPE IIA, MODIFIER OF. Identifiers: Orphanet 231178, Orphanet 886, MedGen C1848634, MONDO:0010169, OMIM 276901.

Allele frequency attached by ClinVar (database versions not stated): ExAC 0.00001; gnomAD 0.00001; gnomAD exomes 0.00001; TOPMed 0.00002.
gnomAD v4.1: 5 of 1,613,538 alleles (0.00031%); highest among the groups gnomAD compares: Non-Finnish European, 0.00042%; no homozygotes.

Submissions (4):

Labcorp Genetics (formerly Invitae), Labcorp
Classification: Likely benign. Last evaluated: 2025-12-10. Review status: criteria provided, single submitter. Criteria: Invitae Variant Classification Sherloc (09022015). Collection method: clinical testing. Allele origin: germline.

Blueprint Genetics
Classification: Likely benign. Last evaluated: 2022-05-06. Review status: criteria provided, single submitter. Criteria: ACMG Guidelines, 2015. Collection method: clinical testing. Allele origin: germline.

Laboratory for Molecular Medicine, Mass General Brigham Personalized Medicine
Classification: Likely benign. Last evaluated: 2013-12-12. Review status: criteria provided, single submitter. Criteria: LMM Criteria. Collection method: clinical testing. Allele origin: germline. Observed: 1 variant allele.
Comment: 5858-12A>G in Intron 29 of USH2A: This variant is not expected to have clinical significance because it is not located in the invariant -1/-2 positions of the s plice site consensus sequence and computational tools do not predict an impact t o splicing.

Counsyl
Classification: Uncertain significance for Usher syndrome type 2A; Retinitis pigmentosa 39. Last evaluated: 2017-09-26. Review status: no assertion criteria provided. Collection method: clinical testing. Allele origin: unknown. Not counted in ClinVar's aggregate classification.